The following is an entry in ClinVar:

ClinVar aggregate classification (germline): Uncertain significance (1 of 4 stars; one submission).

Conditions:
Cardiovascular phenotype. Identifiers: MedGen CN230736.

Submission:

Ambry Genetics
Classification: Uncertain significance for Cardiovascular phenotype. Last evaluated: 2021-12-23. Review status: criteria provided, single submitter. Criteria: Ambry Variant Classification Scheme 2023. Collection method: clinical testing. Allele origin: germline.
Comment: The p.R771S variant (also known as c.2313G>T), located in coding exon 17 of the DSP gene, results from a G to T substitution at nucleotide position 2313. The arginine at codon 771 is replaced by serine, an amino acid with dissimilar properties. This amino acid position is conserved. In addition, the in silico prediction for this alteration is inconclusive. Since supporting evidence is limited at this time, the clinical significance of this alteration remains unclear.

NM_004415.4(DSP):c.2313G>T (p.Arg771Ser)

Gene: DSP (desmoplakin; plus strand). Cytogenetic location: 6p24.3.
Variant type: single nucleotide variant.
Coding change: c.2313G>T on transcript NM_004415.4 (MANE Select); coding-DNA position 2313, G replaced by T.
Protein change: p.Arg771Ser; replaces arginine 771 with serine.
Molecular consequence: missense variant.
Genome position (GRCh38, 1-based): chr6:7,574,672, G>T. VCF-style: chr6-7574672-G-T. GRCh37 (hg19) VCF-style: chr6-7574905-G-T.
Other names: c.2313G>T, p.Arg771Ser (NM_001008844.3, NM_001319034.2); short protein forms R771S.
Identifiers: ClinVar variation 1789471 (VCV001789471.2), dbSNP rs2533905984, ClinGen allele CA362681050.